The following is an entry in ClinVar:

NM_007294.4(BRCA1):c.5194-2072G>A

Gene: BRCA1 (BRCA1 DNA repair associated; minus strand). Cytogenetic location: 17q21.31.
Variant type: single nucleotide variant.
Coding change: c.5194-2072G>A on transcript NM_007294.4 (MANE Select); 2072 bases into the intron before coding-DNA position 5194, G replaced by A.
Molecular consequence: intron variant.
Genome position (GRCh38, 1-based): chr17:43,059,207, C>T on the plus strand (G>A on the coding strand, the complement: BRCA1 is on the minus strand). VCF-style: chr17-43059207-C-T. GRCh37 (hg19) VCF-style: chr17-41211224-C-T.
Other names: IVS 19-2072G>A; c.1741-2072G>A (NM_001408458.1, NM_001408461.1, NM_001408464.1 and 7 more transcripts); c.4303-2072G>A (NM_001407967.1); c.4813-2072G>A (NM_001407959.1); c.4927-2072G>A (NM_001407931.1, NM_001407932.1, NM_001407928.1 and 4 more transcripts); c.5050-2072G>A (NM_001407747.1, NM_001407745.1, NM_001407737.1 and 21 more transcripts); c.4810-2072G>A (NM_001407962.1, NM_001407960.1); c.1381-2072G>A (NM_001408512.1); and 73 more.
Identifiers: ClinVar variation 209299 (VCV000209299.2), dbSNP rs181752925, ClinGen allele CA276271.

ClinVar aggregate classification (germline): Benign (3 of 4 stars; one submission).

Conditions:
Breast-ovarian cancer, familial, susceptibility to, 1 (BROVCA1). Also called: BRCA1 Hereditary Breast and Ovarian Cancer; OVARIAN CANCER, SUSCEPTIBILITY TO. Identifiers: Orphanet 145, MedGen C2676676, MONDO:0011450, OMIM 604370. Disease mechanism: loss of function.

Allele frequency attached by ClinVar (database versions not stated): gnomAD 0.00016 and 0.00018; TOPMed 0.00026; 1000 Genomes Project 0.00060; 1000 Genomes Project 30x 0.00141.
gnomAD v4.1: 28 of 152,132 alleles (0.018%); highest among the groups gnomAD compares: East Asian, 0.52%; no homozygotes.

Submission:

Evidence-based Network for the Interpretation of Germline Mutant Alleles (ENIGMA)
Classification: Benign for Breast-ovarian cancer, familial 1. Last evaluated: 2015-01-12. Review status: reviewed by expert panel. Criteria: ENIGMA BRCA1/2 Classification Criteria (2015). Collection method: curation. Allele origin: germline.
Comment: Class 1 not pathogenic based on frequency >1% in an outbred sampleset. Frequency 0.01049 (Asian), derived from 1000 genomes (2012-04-30).